The following is an entry in ClinVar:

NM_003672.4(CDC14A):c.1251-5C>T

Gene: CDC14A (cell division cycle 14A; plus strand). Cytogenetic location: 1p21.2.
Variant type: single nucleotide variant.
Coding change: c.1251-5C>T on transcript NM_003672.4 (MANE Select); 5 bases into the intron before coding-DNA position 1251, C replaced by T.
Molecular consequence: intron variant.
Genome position (GRCh38, 1-based): chr1:100,495,997, C>T. VCF-style: chr1-100495997-C-T. GRCh37 (hg19) VCF-style: chr1-100961553-C-T.
Other names: c.1077-5C>T (NM_001319211.2); c.1251-5C>T (NM_001319210.2, NM_033312.3); c.372-5C>T (NM_001319212.2).
Identifiers: ClinVar variation 1028516 (VCV001028516.14), dbSNP rs375381230, ClinGen allele CA970831.

ClinVar aggregate classification (germline): Conflicting classifications of pathogenicity. Review status: criteria provided, conflicting classifications (1 of 4 stars). 4 submissions from 4 submitters: Uncertain significance (2); Likely benign (2). Last evaluated 2026-03-01.

Conditions:
Autosomal recessive nonsyndromic hearing loss 32. Also called: HEARING IMPAIRMENT INFERTILE MALE SYNDROME; Deafness, autosomal recessive 32; Deafness, autosomal recessive 105. Identifiers: Orphanet 90636, MedGen C1837608, MONDO:0012091, OMIM 608653.

Allele frequency attached by ClinVar (database versions not stated): ExAC 0.00005; gnomAD exomes 0.00005 and 0.00006; TOPMed 0.00009; gnomAD 0.00010 and 0.00011; ESP Exome Variant Server 0.00023.
gnomAD v4.1: 106 of 1,613,142 alleles (0.0066%); highest among the groups gnomAD compares: Non-Finnish European, 0.0078%; no homozygotes.

Submissions (4):

CeGaT Center for Human Genetics Tuebingen
Classification: Uncertain significance. Last evaluated: 2026-03-01. Review status: criteria provided, single submitter. Criteria: CeGaT Center For Human Genetics Tuebingen Variant Classification Criteria Version 2. Collection method: clinical testing. Allele origin: germline. Affected: yes. Observed: 1 variant allele.
Comment: CDC14A: PM2, BP4

Labcorp Genetics (formerly Invitae), Labcorp
Classification: Likely benign. Last evaluated: 2025-06-30. Review status: criteria provided, single submitter. Criteria: Invitae Variant Classification Sherloc (09022015). Collection method: clinical testing. Allele origin: germline.

Blueprint Genetics
Classification: Likely benign. Last evaluated: 2022-12-12. Review status: criteria provided, single submitter. Criteria: ACMG Guidelines, 2015. Collection method: clinical testing. Allele origin: germline.

Baylor Genetics
Classification: Uncertain significance for Autosomal recessive nonsyndromic hearing loss 32. Last evaluated: 2019-04-19. Review status: criteria provided, single submitter. Criteria: ACMG Guidelines, 2015. Collection method: clinical testing. Allele origin: unknown. Affected: yes.
Comment: This variant was determined to be of uncertain significance according to ACMG Guidelines, 2015 [PMID:25741868].